The following is an entry in ClinVar:

NM_019032.6(ADAMTSL4):c.1486_1487dup (p.Pro497fs)

Genes: ADAMTSL4 (ADAMTS like 4; plus strand), ADAMTSL4-AS2 (ADAMTSL4 antisense RNA 2; minus strand). Cytogenetic location: 1q21.2.
Variant type: Duplication.
Coding change: c.1486_1487dup on transcript NM_019032.6 (MANE Select); coding-DNA positions 1486 to 1487, 2 bases duplicated (GG; older notation c.1486_1487dupGG).
Protein change: p.Pro497fs; shifts the reading frame from proline 497.
Molecular consequence: frameshift variant.
Genome position (GRCh38, 1-based): chr1:150,556,276-150,556,277, GG duplicated; duplicating any 2 consecutive bases within chr1:150,556,273-150,556,277 gives the same sequence; the c. name uses the placement nearest the transcript's 3' end. VCF-style (leftmost placement, unchanged base first): chr1-150556272-A-AGG. GRCh37 (hg19) VCF-style: chr1-150528748-A-AGG.
Other names: c.1555_1556dup, p.Pro520fs (NM_001288607.2, NM_001288608.2); c.1486_1487dup, p.Pro497fs (NM_001378596.1, NM_025008.5); short protein forms P497fs, P520fs.
Identifiers: ClinVar variation 1390256 (VCV001390256.6), dbSNP rs1672102770, ClinGen allele CA2573131048.

ClinVar aggregate classification (germline): Pathogenic (1 of 4 stars; one submission).

Submission:

Labcorp Genetics (formerly Invitae), Labcorp
Classification: Pathogenic. Last evaluated: 2021-11-19. Review status: criteria provided, single submitter. Criteria: Invitae Variant Classification Sherloc (09022015). Collection method: clinical testing. Allele origin: germline.
Comment: For these reasons, this variant has been classified as Pathogenic. This variant has not been reported in the literature in individuals affected with ADAMTSL4-related conditions. This variant is not present in population databases (gnomAD no frequency). This sequence change creates a premature translational stop signal (p.Pro497Alafs*89) in the ADAMTSL4 gene. It is expected to result in an absent or disrupted protein product. Loss-of-function variants in ADAMTSL4 are known to be pathogenic (PMID: 20564469, 28642162).

Literature cited by the submitters: PubMed 20564469; PubMed 28642162.